The following is an entry in ClinVar:

NM_000379.4(XDH):c.3789G>A (p.Pro1263=)

Gene: XDH (xanthine dehydrogenase; minus strand). Cytogenetic location: 2p23.1.
Variant type: single nucleotide variant.
Coding change: c.3789G>A on transcript NM_000379.4 (MANE Select); coding-DNA position 3789, G replaced by A.
Protein change: p.Pro1263=; no amino-acid change (proline 1263 retained).
Molecular consequence: synonymous variant.
Genome position (GRCh38, 1-based): chr2:31,337,803, C>T on the plus strand (G>A on the coding strand, the complement: XDH is on the minus strand). VCF-style: chr2-31337803-C-T. GRCh37 (hg19) VCF-style: chr2-31560669-C-T.
Identifiers: ClinVar variation 765186 (VCV000765186.12), dbSNP rs202077714, ClinGen allele CA1598251.

ClinVar aggregate classification (germline): Benign/Likely benign. Review status: criteria provided, multiple submitters, no conflicts (2 of 4 stars). 4 submissions from 4 submitters: Benign (1); Likely benign (2). 1 of the submissions does not count toward it. Last evaluated 2025-10-20.

Conditions:
XDH-related disorder. Also called: XDH-related condition.
Hereditary xanthinuria type 1 (XAN1). Identifiers: Orphanet 3467, Orphanet 93601, MedGen C0268118, MONDO:0010209, OMIM 278300.
Xanthinuria type II. Also called: Xanthine dehydrogenase and aldehyde oxidase combined deficiency of; XDH and AOX dual deficiency. Identifiers: Orphanet 3467, Orphanet 93602, MedGen C1863688, MONDO:0011346, OMIM 603592.

Allele frequency attached by ClinVar (database versions not stated): 1000 Genomes Project below 0.00001; ESP Exome Variant Server 0.00008; gnomAD 0.00011; TOPMed 0.00020; ExAC 0.00023; 1000 Genomes Project 30x 0.00031; gnomAD exomes 0.00031.
gnomAD v4.1: 143 of 1,614,036 alleles (0.0089%); highest among the groups gnomAD compares: East Asian, 0.14%; no homozygotes.

Submissions (4):

Labcorp Genetics (formerly Invitae), Labcorp
Classification: Benign for Xanthinuria type II. Last evaluated: 2025-10-20. Review status: criteria provided, single submitter. Criteria: Invitae Variant Classification Sherloc (09022015). Collection method: clinical testing. Allele origin: germline.

Blueprint Genetics
Classification: Likely benign. Last evaluated: 2024-04-30. Review status: criteria provided, single submitter. Criteria: ACMG Guidelines, 2015. Collection method: clinical testing. Allele origin: germline.

Fulgent Genetics
Classification: Likely benign for Hereditary xanthinuria type 1. Last evaluated: 2021-08-20. Review status: criteria provided, single submitter. Criteria: ACMG Guidelines, 2015. Collection method: clinical testing. Allele origin: unknown.

PreventionGenetics, part of Exact Sciences
Classification: Likely benign for XDH-related condition. Last evaluated: 2019-03-05. Review status: no assertion criteria provided. Collection method: clinical testing. Allele origin: germline. Not counted in ClinVar's aggregate classification.
Comment: This variant is classified as likely benign based on ACMG/AMP sequence variant interpretation guidelines (Richards et al. 2015 PMID: 25741868, with internal and published modifications).